The following is an entry in ClinVar:

ClinVar aggregate classification (germline): Pathogenic. Review status: criteria provided, multiple submitters, no conflicts (2 of 4 stars). 2 submissions from 2 submitters: Pathogenic (2). Last evaluated 2025-02-26.

Conditions:
Hereditary cancer-predisposing syndrome. Also called: Neoplastic Syndromes, Hereditary; Tumor predisposition; Hereditary Cancer Syndrome; Hereditary neoplastic syndrome. Identifiers: Orphanet 140162, MedGen C0027672, MeSH D009386, MONDO:0015356.
Familial adenomatous polyposis 1 (FAP1). Also called: FAMILIAL ADENOMATOUS POLYPOSIS 1, ATTENUATED; POLYPOSIS, ADENOMATOUS INTESTINAL. Identifiers: MedGen C2713442, MONDO:0021056, OMIM 175100. Disease mechanism: loss of function.

Submissions (2):

Ambry Genetics
Classification: Pathogenic for Hereditary cancer-predisposing syndrome. Last evaluated: 2025-02-26. Review status: criteria provided, single submitter. Criteria: Ambry Variant Classification Scheme 2023. Collection method: clinical testing. Allele origin: germline.
Comment: The c.3532_3535delGATT pathogenic mutation, located in coding exon 15 of the APC gene, results from a deletion of 4 nucleotides at nucleotide positions 3532 to 3535, causing a translational frameshift with a predicted alternate stop codon (p.D1178Ifs*3). This alteration occurs at the 3' terminus of the APC gene, is not expected to trigger nonsense-mediated mRNA decay, and impacts the last 58.6% of the protein. However, premature stop codons are typically deleterious in nature and a significant portion of the protein is affected (Ambry internal data). This alteration was identified in 1/934 French patients with FAP (Lagarde A et al. J Med Genet, 2010 Oct;47:721-2). This variant is considered to be rare based on population cohorts in the Genome Aggregation Database (gnomAD). Based on the supporting evidence, this variant is interpreted as a disease-causing mutation.

Labcorp Genetics (formerly Invitae), Labcorp
Classification: Pathogenic for Familial adenomatous polyposis 1. Last evaluated: 2025-01-08. Review status: criteria provided, single submitter. Criteria: Invitae Variant Classification Sherloc (09022015). Collection method: clinical testing. Allele origin: germline.
Comment: This sequence change creates a premature translational stop signal (p.Asp1178Ilefs*3) in the APC gene. While this is not anticipated to result in nonsense mediated decay, it is expected to disrupt the last 1666 amino acid(s) of the APC protein. This variant is not present in population databases (gnomAD no frequency). This premature translational stop signal has been observed in individual(s) with APC-related conditions (PMID: 20685668). ClinVar contains an entry for this variant (Variation ID: 1732375). A different truncation (p.Tyr2645Lysfs*14) that lies downstream of this variant has been determined to be pathogenic (PMID: 9824584, 1316610, 27081525, 8381579, 22135120, internal data). This suggests that deletion of this region of the APC protein is causative of disease. This variant is expected to disrupt the EB1 and HDLG binding sites, which mediate interactions with the cytoskeleton (PMID: 15311282, 17293347). While functional studies have not been performed to directly test the effect on APC protein function, this suggests that disruption of the C-terminal portion of the protein is functionally important. For these reasons, this variant has been classified as Pathogenic.

Literature cited by the submitters: PubMed 20685668 (cited by Ambry Genetics and Labcorp Genetics (formerly Invitae), Labcorp); PubMed 9824584 (cited by Labcorp Genetics (formerly Invitae), Labcorp); PubMed 1316610 (cited by Labcorp Genetics (formerly Invitae), Labcorp); PubMed 27081525 (cited by Labcorp Genetics (formerly Invitae), Labcorp); PubMed 8381579 (cited by Labcorp Genetics (formerly Invitae), Labcorp); PubMed 22135120 (cited by Labcorp Genetics (formerly Invitae), Labcorp); PubMed 15311282 (cited by Labcorp Genetics (formerly Invitae), Labcorp); PubMed 17293347 (cited by Labcorp Genetics (formerly Invitae), Labcorp).

NM_000038.6(APC):c.3532_3535del (p.Asp1178fs)

Gene: APC (APC regulator of Wnt signaling pathway; plus strand). Cytogenetic location: 5q22.2.
Variant type: Deletion.
Coding change: c.3532_3535del on transcript NM_000038.6 (MANE Select); coding-DNA positions 3532 to 3535, 4 bases deleted (GATT; older notation c.3532_3535delGATT).
Protein change: p.Asp1178fs; shifts the reading frame from aspartic acid 1178.
Molecular consequence: frameshift variant.
Genome position (GRCh38, 1-based): chr5:112,839,126-112,839,129, GATT deleted; deleting any 4 consecutive bases within chr5:112,839,123-112,839,129 gives the same sequence; the c. name uses the placement nearest the transcript's 3' end. VCF-style (leftmost placement, unchanged base first): chr5-112839122-TATTG-T. GRCh37 (hg19) VCF-style: chr5-112174819-TATTG-T.
Other names: c.3532_3535del, p.Asp1178fs (NM_001127510.3, NM_001354895.2); c.3478_3481del, p.Asp1160fs (NM_001127511.3); c.3586_3589del, p.Asp1196fs (NM_001354896.2); c.3562_3565del, p.Asp1188fs (NM_001354897.2); c.3457_3460del, p.Asp1153fs (NM_001354898.2); c.3448_3451del, p.Asp1150fs (NM_001354899.2); c.3409_3412del, p.Asp1137fs (NM_001354900.2); c.3355_3358del, p.Asp1119fs (NM_001354901.2); and 16 more; short protein forms D1018fs, D1052fs, D1119fs, D1153fs, D1150fs, D1160fs, D1178fs, D895fs.
Identifiers: ClinVar variation 1732375 (VCV001732375.5), dbSNP rs2533505635, ClinGen allele CA658760933.